The following is an entry in ClinVar:

NM_004360.5(CDH1):c.1636G>A (p.Ala546Thr)

Gene: CDH1 (cadherin 1; plus strand). Cytogenetic location: 16q22.1.
Variant type: single nucleotide variant.
Coding change: c.1636G>A on transcript NM_004360.5 (MANE Select); coding-DNA position 1636, G replaced by A.
Protein change: p.Ala546Thr; replaces alanine 546 with threonine.
Molecular consequence: missense variant. On other transcripts: intron variant (1).
Genome position (GRCh38, 1-based): chr16:68,819,350, G>A. VCF-style: chr16-68819350-G-A. GRCh37 (hg19) VCF-style: chr16-68853253-G-A.
Other names: c.1636G>A (LRG_301t1); c.1453G>A, p.Ala485Thr (NM_001317184.2); c.88G>A, p.Ala30Thr (NM_001317185.2); c.-254-2651G>A (NM_001317186.2); short protein forms A546T, A30T, A485T.
Identifiers: ClinVar variation 230972 (VCV000230972.12), dbSNP rs876658877, ClinGen allele CA10580127.

ClinVar aggregate classification (germline): Conflicting classifications of pathogenicity. Review status: criteria provided, conflicting classifications (1 of 4 stars). 2 submissions from 2 submitters: Uncertain significance (1); Likely benign (1). Last evaluated 2026-08-11.

Conditions:
Hereditary cancer-predisposing syndrome. Also called: Tumor predisposition; Neoplastic Syndromes, Hereditary; Hereditary Cancer Syndrome; Hereditary neoplastic syndrome. Identifiers: Orphanet 140162, MedGen C0027672, MeSH D009386, MONDO:0015356.
Hereditary diffuse gastric adenocarcinoma (HDGC). Also called: DIFFUSE GASTRIC AND LOBULAR BREAST CANCER SYNDROME. Identifiers: Orphanet 26106, MedGen C1708349, MONDO:0007648, OMIM 137215.

Submissions (2):

Ambry Genetics
Classification: Likely benign for Hereditary cancer-predisposing syndrome. Last evaluated: 2026-08-11. Review status: criteria provided, single submitter. Criteria: Ambry Variant Classification Scheme 2023. Collection method: clinical testing. Allele origin: germline.

Labcorp Genetics (formerly Invitae), Labcorp
Classification: Uncertain significance for Hereditary diffuse gastric adenocarcinoma. Last evaluated: 2025-11-23. Review status: criteria provided, single submitter. Criteria: Invitae Variant Classification Sherloc (09022015). Collection method: clinical testing. Allele origin: germline.
Comment: This sequence change replaces alanine, which is neutral and non-polar, with threonine, which is neutral and polar, at codon 546 of the CDH1 protein (p.Ala546Thr). This variant is not present in population databases (gnomAD no frequency). This variant has not been reported in the literature in individuals affected with CDH1-related conditions. ClinVar contains an entry for this variant (Variation ID: 230972). An algorithm developed to predict the effect of missense changes on protein structure and function (PolyPhen-2) suggests that this variant is likely to be tolerated. In summary, the available evidence is currently insufficient to determine the role of this variant in disease. Therefore, it has been classified as a Variant of Uncertain Significance.